The following is an entry in ClinVar:

ClinVar aggregate classification (germline): Uncertain significance. Review status: criteria provided, multiple submitters, no conflicts (2 of 4 stars). 3 submissions from 3 submitters: Uncertain significance (3). Last evaluated 2025-02-02.

Conditions:
Primary dilated cardiomyopathy (DCM). Also called: Dilated Cardiomyopathy. Identifiers: Orphanet 217604, MedGen C0007193, MeSH D002311, MONDO:0005021, HP:0001644. Inheritance: Various modes of inheritance.
Cardiovascular phenotype. Identifiers: MedGen CN230736.

Allele frequency attached by ClinVar (database versions not stated): gnomAD 0.00001; gnomAD exomes 0.00001; TOPMed 0.00002.
gnomAD v4.1: 6 of 1,567,304 alleles (0.00038%); highest among the groups gnomAD compares: African/African-American, 0.0068%; no homozygotes.

Submissions (3):

Labcorp Genetics (formerly Invitae), Labcorp
Classification: Uncertain significance for Primary dilated cardiomyopathy. Last evaluated: 2025-02-02. Review status: criteria provided, single submitter. Criteria: Invitae Variant Classification Sherloc (09022015). Collection method: clinical testing. Allele origin: germline.
Comment: This sequence change replaces isoleucine, which is neutral and non-polar, with methionine, which is neutral and non-polar, at codon 240 of the TXNRD2 protein (p.Ile240Met). This variant is present in population databases (no rsID available, gnomAD 0.01%). This variant has not been reported in the literature in individuals affected with TXNRD2-related conditions. ClinVar contains an entry for this variant (Variation ID: 935550). Invitae Evidence Modeling of protein sequence and biophysical properties (such as structural, functional, and spatial information, amino acid conservation, physicochemical variation, residue mobility, and thermodynamic stability) indicates that this missense variant is not expected to disrupt TXNRD2 protein function with a negative predictive value of 80%. In summary, the available evidence is currently insufficient to determine the role of this variant in disease. Therefore, it has been classified as a Variant of Uncertain Significance.

Ambry Genetics
Classification: Uncertain significance for Cardiovascular phenotype. Last evaluated: 2023-05-21. Review status: criteria provided, single submitter. Criteria: Ambry Variant Classification Scheme 2023. Collection method: clinical testing. Allele origin: germline.
Comment: The p.I240M variant (also known as c.720T>G), located in coding exon 10 of the TXNRD2 gene, results from a T to G substitution at nucleotide position 720. The isoleucine at codon 240 is replaced by methionine, an amino acid with highly similar properties. This amino acid position is poorly conserved in available vertebrate species. In addition, this alteration is predicted to be tolerated by in silico analysis. Since supporting evidence is limited at this time, the clinical significance of this alteration remains unclear.

GeneDx
Classification: Uncertain significance. Last evaluated: 2023-02-13. Review status: criteria provided, single submitter. Criteria: GeneDx Variant Classification Process June 2021. Collection method: clinical testing. Allele origin: germline. Affected: yes.
Comment: Has not been previously published as pathogenic or benign to our knowledge; Not observed at significant frequency in large population cohorts (gnomAD); In silico analysis supports that this missense variant does not alter protein structure/function

NM_006440.5(TXNRD2):c.720T>G (p.Ile240Met)

Gene: TXNRD2 (thioredoxin reductase 2; minus strand). Cytogenetic location: 22q11.21.
Variant type: single nucleotide variant.
Coding change: c.720T>G on transcript NM_006440.5 (MANE Select); coding-DNA position 720, T replaced by G.
Protein change: p.Ile240Met; replaces isoleucine 240 with methionine.
Molecular consequence: missense variant. On other transcripts: non-coding transcript variant (1).
Genome position (GRCh38, 1-based): chr22:19,898,093, A>C on the plus strand (T>G on the coding strand, the complement: TXNRD2 is on the minus strand). VCF-style: chr22-19898093-A-C. GRCh37 (hg19) VCF-style: chr22-19885616-A-C.
Other names: c.720T>G, p.Ile240Met (NM_001282512.3); c.717T>G, p.Ile239Met (NM_001352300.2); c.630T>G, p.Ile210Met (NM_001352301.2); c.432T>G, p.Ile144Met (NM_001352302.2); c.624T>G, p.Ile208Met (NM_001352303.2); short protein forms I239M, I210M, I144M, I208M, I240M.
Identifiers: ClinVar variation 935550 (VCV000935550.12), dbSNP rs1246351128, ClinGen allele CA410687526.
Genomic context (GRCh38, chr22:19,898,093, plus strand): 5'-CACTACCTGGTCGAAGCCGCGGAGGGGGATGCTGCGCATCATGATGGTGGTGTCCAGCCC[A>C]ATCCCGGTGAGGAAGCCAGCACACTCCAGGGCCACATCTGTGGGGTGCCAGCTAAGGAGC-3'
Protein context (NP_006431.2, residues 230-250): ALECAGFLTG[Ile240Met]GLDTTIMMRS